The following is an entry in ClinVar:

NM_000231.3(SGCG):c.440G>A (p.Gly147Asp)

Gene: SGCG (sarcoglycan gamma; plus strand). Cytogenetic location: 13q12.12.
Variant type: single nucleotide variant.
Coding change: c.440G>A on transcript NM_000231.3 (MANE Select); coding-DNA position 440, G replaced by A.
Protein change: p.Gly147Asp; replaces glycine 147 with aspartic acid.
Molecular consequence: missense variant.
Genome position (GRCh38, 1-based): chr13:23,279,413, G>A. VCF-style: chr13-23279413-G-A. GRCh37 (hg19) VCF-style: chr13-23853552-G-A.
Other names: c.440G>A (NM_000231.2); c.494G>A, p.Gly165Asp (NM_001378244.1); c.440G>A, p.Gly147Asp (NM_001378245.1, NM_001378246.1); short protein forms G147D, G165D.
Identifiers: ClinVar variation 1369190 (VCV001369190.5), dbSNP rs767605031, ClinGen allele CA6909693.
Genomic context (GRCh38, chr13:23,279,413, plus strand): 5'-CTTCAGGTCCCAAAATGGTAGAAGTCCAGAATCAACAGTTTCAGATCAACTCCAACGACG[G>A]CAAGCCACTATTTACTGTAGATGAGAAGGAAGTTGTGGTTGGTACAGATAAACTTCGAGT-3'
Protein context (NP_000222.2, residues 137-157): NQQFQINSND[Gly147Asp]KPLFTVDEKE

ClinVar aggregate classification (germline): Uncertain significance. Review status: criteria provided, multiple submitters, no conflicts (2 of 4 stars). 2 submissions from 2 submitters: Uncertain significance (2). Last evaluated 2021-06-22.

Conditions:
Autosomal recessive limb-girdle muscular dystrophy type 2C (LGMDR5). Also called: MUSCULAR DYSTROPHY, DUCHENNE-LIKE; MUSCULAR DYSTROPHY, LIMB-GIRDLE, AUTOSOMAL RECESSIVE 5. Identifiers: Orphanet 353, MedGen C0410173, MONDO:0009677, OMIM 253700. Disease mechanism: Affects gamma-sarcoglycan and also disrupts the integrity of the entire sarcoglycan complex..

Allele frequency attached by ClinVar (database versions not stated): ExAC 0.00001; gnomAD 0.00001; gnomAD exomes 0.00001; TOPMed 0.00003.

Submissions (2):

Labcorp Genetics (formerly Invitae), Labcorp
Classification: Uncertain significance for Autosomal recessive limb-girdle muscular dystrophy type 2C. Last evaluated: 2021-06-22. Review status: criteria provided, single submitter. Criteria: Invitae Variant Classification Sherloc (09022015). Collection method: clinical testing. Allele origin: germline.
Comment: This sequence change replaces glycine with aspartic acid at codon 147 of the SGCG protein (p.Gly147Asp). The glycine residue is moderately conserved and there is a moderate physicochemical difference between glycine and aspartic acid. This variant is present in population databases (rs767605031, ExAC 0.01%). This variant has not been reported in the literature in individuals affected with SGCG-related conditions. Algorithms developed to predict the effect of missense changes on protein structure and function output the following: SIFT: "Tolerated"; PolyPhen-2: "Benign"; Align-GVGD: "Class C0". The aspartic acid amino acid residue is found in multiple mammalian species, which suggests that this missense change does not adversely affect protein function. In summary, the available evidence is currently insufficient to determine the role of this variant in disease. Therefore, it has been classified as a Variant of Uncertain Significance.

Revvity Omics, Revvity
Classification: Uncertain significance for Autosomal recessive limb-girdle muscular dystrophy type 2C. Last evaluated: 2021-06-14. Review status: criteria provided, single submitter. Criteria: ACMG Guidelines, 2015. Collection method: clinical testing. Allele origin: germline.